The following is an entry in ClinVar:

NM_004168.4(SDHA):c.236del (p.Gly79fs)

Gene: SDHA (succinate dehydrogenase complex flavoprotein subunit A; plus strand). Cytogenetic location: 5p15.33.
Variant type: Deletion.
Coding change: c.236del on transcript NM_004168.4 (MANE Select); coding-DNA position 236, one base deleted (G; older notation c.236delG).
Protein change: p.Gly79fs; shifts the reading frame from glycine 79.
Molecular consequence: frameshift variant.
Genome position (GRCh38, 1-based): chr5:224,445, G deleted; the last of 2 consecutive G bases (chr5:224,444-224,445); deleting either gives the same sequence. VCF-style (leftmost placement, unchanged base first): chr5-224443-TG-T. GRCh37 (hg19) VCF-style: chr5-224558-TG-T.
Other names: c.236del, p.Gly79fs (NM_001294332.2, NM_001330758.2); short protein forms G79fs.
Identifiers: ClinVar variation 4786547 (VCV004786547.1).

ClinVar aggregate classification (germline): Pathogenic (1 of 4 stars; one submission).

Conditions:
Mitochondrial complex II deficiency, nuclear type 1. Also called: SUCCINATE CoQ REDUCTASE DEFICIENCY. Identifiers: Orphanet 3208, MedGen C5700310, MONDO:0100294, OMIM 252011.
Pheochromocytoma/paraganglioma syndrome 5. Also called: Paragangliomas 5; SDHA-Related Hereditary Paraganglioma-Pheochromocytoma Syndrome. Identifiers: Orphanet 29072, MedGen C3279992, MONDO:0013602, OMIM 614165.

Submission:

Labcorp Genetics (formerly Invitae), Labcorp
Classification: Pathogenic for Pheochromocytoma/paraganglioma syndrome 5; Mitochondrial complex II deficiency, nuclear type 1. Last evaluated: 2025-10-28. Review status: criteria provided, single submitter. Criteria: Invitae Variant Classification Sherloc (09022015). Collection method: clinical testing. Allele origin: germline.
Comment: This sequence change creates a premature translational stop signal (p.Gly79Alafs*49) in the SDHA gene. It is expected to result in an absent or disrupted protein product. Loss-of-function variants in SDHA are known to be pathogenic (PMID: 22974104, 24781757). This variant is not present in population databases (gnomAD no frequency). This variant has not been reported in the literature in individuals affected with SDHA-related conditions. For these reasons, this variant has been classified as Pathogenic.

Literature cited by the submitters: PubMed 22974104; PubMed 24781757.